The following is an entry in ClinVar:

ClinVar aggregate classification (germline): Uncertain significance (1 of 4 stars; one submission).

Conditions:
Microcephaly, normal intelligence and immunodeficiency (NBS). Also called: Nijmegen breakage syndrome; Microcephaly with normal intelligence immunodeficiency and lymphoreticular malignancies; Nonsyndromal microcephaly autosomal recessive with normal intelligence; Seemanova syndrome 2; Immunodeficiency, microcephaly with normal intelligence; Ataxia telangiectasia variant V1. Identifiers: Orphanet 647, MedGen C0398791, MONDO:0009623, OMIM 251260.

Submission:

Labcorp Genetics (formerly Invitae), Labcorp
Classification: Uncertain significance for Microcephaly, normal intelligence and immunodeficiency. Last evaluated: 2022-04-29. Review status: criteria provided, single submitter. Criteria: Invitae Variant Classification Sherloc (09022015). Collection method: clinical testing. Allele origin: germline.
Comment: This sequence change falls in intron 11 of the NBN gene. It does not directly change the encoded amino acid sequence of the NBN protein. This variant is not present in population databases (gnomAD no frequency). This variant has not been reported in the literature in individuals affected with NBN-related conditions. Algorithms developed to predict the effect of sequence changes on RNA splicing suggest that this variant may disrupt the consensus splice site. In summary, the available evidence is currently insufficient to determine the role of this variant in disease. Therefore, it has been classified as a Variant of Uncertain Significance.

NM_002485.5(NBN):c.1846-17_1846-11del

Genes: NBN (nibrin; minus strand), LOC126860438 (MED14-independent group 3 enhancer GRCh37_chr8:90959982-90961181; plus strand). Cytogenetic location: 8q21.3.
Variant type: Deletion.
Coding change: c.1846-17_1846-11del on transcript NM_002485.5 (MANE Select); 17 bases into the intron before coding-DNA position 1846 through 11 bases into the intron before coding-DNA position 1846, 7 bases deleted (TTATTTT; older notation c.1846-17_1846-11delTTATTTT).
Molecular consequence: intron variant.
Genome position (GRCh38, 1-based): chr8:89,947,903-89,947,909, AAAATAA deleted on the plus strand (TTATTTT on the coding strand, the reverse complement: NBN is on the minus strand); deleting any 7 consecutive bases within chr8:89,947,903-89,947,915 gives the same sequence; the c. name uses the placement nearest the transcript's 3' end. VCF-style (leftmost placement, unchanged base first): chr8-89947902-TAAAATAA-T. GRCh37 (hg19) VCF-style: chr8-90960130-TAAAATAA-T.
Other names: c.1600-17_1600-11del (NM_001024688.3).
Identifiers: ClinVar variation 2131908 (VCV002131908.4), dbSNP rs2488210030, ClinGen allele CA2580079051.